The following is an entry in ClinVar:

ClinVar aggregate classification (germline): Likely benign. Review status: criteria provided, multiple submitters, no conflicts (2 of 4 stars). 2 submissions from 2 submitters: Likely benign (2). Last evaluated 2018-01-13.

Conditions:
Autosomal dominant nonsyndromic hearing loss 25. Identifiers: Orphanet 90635, MedGen C1854158, MONDO:0011568, OMIM 605583.

Allele frequency attached by ClinVar (database versions not stated): gnomAD 0.00093 and 0.00110; gnomAD exomes 0.00146; TOPMed 0.00153; 1000 Genomes Project 30x 0.00250; 1000 Genomes Project 0.00300.
gnomAD v4.1: 599 of 455,828 alleles (0.13%); highest among the groups gnomAD compares: East Asian, 1.4%; 1 homozygote.

Submissions (2):

Illumina Laboratory Services, Illumina
Classification: Likely benign for Autosomal dominant nonsyndromic hearing loss 25. Last evaluated: 2018-01-13. Review status: criteria provided, single submitter. Criteria: ICSL Variant Classification Criteria 13 December 2019. Collection method: clinical testing. Allele origin: germline.
Comment: This variant was observed in the ICSL laboratory as part of a predisposition screen in an ostensibly healthy population. It had not been previously curated by ICSL or reported in the Human Gene Mutation Database (HGMD: prior to June 1st, 2018), and was therefore a candidate for classification through an automated scoring system. Utilizing variant allele frequency, disease prevalence and penetrance estimates, and inheritance mode, an automated score was calculated to assess if this variant is too frequent to cause the disease. Based on the score and internal cut-off values, a variant classified as likely benign is not then subjected to further curation. The score for this variant resulted in a classification of likely benign for this disease.

Breakthrough Genomics
Classification: Likely benign. Review status: criteria provided, single submitter. Criteria: ACMG Guidelines, 2015. Collection method: not provided. Allele origin: germline. Inheritance: Autosomal dominant inheritance. Affected: yes.

NM_139319.3(SLC17A8):c.-246T>C

Gene: SLC17A8 (solute carrier family 17 member 8; plus strand). Cytogenetic location: 12q23.1.
Variant type: single nucleotide variant.
Coding change: c.-246T>C on transcript NM_139319.3 (MANE Select); 246 bases upstream of the start codon, T replaced by C.
Molecular consequence: 5 prime UTR variant.
Genome position (GRCh38, 1-based): chr12:100,357,146, T>C. VCF-style: chr12-100357146-T-C. GRCh37 (hg19) VCF-style: chr12-100750924-T-C.
Other names: c.-246T>C (NM_001145288.2).
Identifiers: ClinVar variation 883122 (VCV000883122.5), dbSNP rs60738448, ClinGen allele CA242315578.